The following is an entry in ClinVar:

NM_006759.4(UGP2):c.427G>C (p.Val143Leu)

Gene: UGP2 (UDP-glucose pyrophosphorylase 2; plus strand). Cytogenetic location: 2p15.
Variant type: single nucleotide variant.
Coding change: c.427G>C on transcript NM_006759.4 (MANE Select); coding-DNA position 427, G replaced by C.
Protein change: p.Val143Leu; replaces valine 143 with leucine.
Molecular consequence: missense variant.
Genome position (GRCh38, 1-based): chr2:63,882,637, G>C. VCF-style: chr2-63882637-G-C. GRCh37 (hg19) VCF-style: chr2-64109771-G-C.
Other names: c.394G>C, p.Val132Leu (NM_001001521.2, NM_001377524.1, NM_001377525.1); c.67G>C, p.Val23Leu (NM_001377526.1, NM_001377527.1, NM_001377528.1 and 1 more transcripts); short protein forms V143L, V132L, V23L.
Identifiers: ClinVar variation 2377888 (VCV002377888.6), dbSNP rs144988193, ClinGen allele CA1683234.

ClinVar aggregate classification (germline): Uncertain significance. Review status: criteria provided, multiple submitters, no conflicts (2 of 4 stars). 2 submissions from 2 submitters: Uncertain significance (2). Last evaluated 2026-03-01.

Conditions:
Inborn genetic diseases. Identifiers: MedGen C0950123, MeSH D030342.

Allele frequency attached by ClinVar (database versions not stated): ExAC 0.00006; gnomAD 0.00015; TOPMed 0.00018; ESP Exome Variant Server 0.00031.
gnomAD v4.1: 41 of 1,569,332 alleles (0.0026%); highest among the groups gnomAD compares: African/African-American, 0.047%; no homozygotes.

Submissions (2):

CeGaT Center for Human Genetics Tuebingen
Classification: Uncertain significance. Last evaluated: 2026-03-01. Review status: criteria provided, single submitter. Criteria: CeGaT Center For Human Genetics Tuebingen Variant Classification Criteria Version 2. Collection method: clinical testing. Allele origin: germline. Affected: yes. Observed: 1 variant allele.
Comment: UGP2: PM2, PM3:Supporting

Ambry Genetics
Classification: Uncertain significance for Inborn genetic diseases. Last evaluated: 2022-08-22. Review status: criteria provided, single submitter. Criteria: Ambry Variant Classification Scheme 2023. Collection method: clinical testing. Allele origin: germline.